The following is an entry in ClinVar:

ClinVar aggregate classification (germline): Uncertain significance (1 of 4 stars; one submission).

Allele frequency attached by ClinVar (database versions not stated): ExAC 0.00001.
gnomAD v4.1: 2 of 1,612,752 alleles (0.00012%); highest among the groups gnomAD compares: African/African-American, 0.0013%; no homozygotes.

Submission:

Labcorp Genetics (formerly Invitae), Labcorp
Classification: Uncertain significance. Last evaluated: 2022-04-30. Review status: criteria provided, single submitter. Criteria: Invitae Variant Classification Sherloc (09022015). Collection method: clinical testing. Allele origin: germline.
Comment: This variant has not been reported in the literature in individuals affected with COL11A1-related conditions. This variant is not present in population databases (gnomAD no frequency). This sequence change replaces glycine, which is neutral and non-polar, with arginine, which is basic and polar, at codon 1096 of the COL11A1 protein (p.Gly1096Arg). Advanced modeling of protein sequence and biophysical properties (such as structural, functional, and spatial information, amino acid conservation, physicochemical variation, residue mobility, and thermodynamic stability) performed at Invitae indicates that this missense variant is expected to disrupt COL11A1 protein function. In summary, the available evidence is currently insufficient to determine the role of this variant in disease. Therefore, it has been classified as a Variant of Uncertain Significance.

NM_001854.4(COL11A1):c.3286G>C (p.Gly1096Arg)

Gene: COL11A1 (collagen type XI alpha 1 chain; minus strand). Cytogenetic location: 1p21.1.
Variant type: single nucleotide variant.
Coding change: c.3286G>C on transcript NM_001854.4 (MANE Select); coding-DNA position 3286, G replaced by C.
Protein change: p.Gly1096Arg; replaces glycine 1096 with arginine.
Molecular consequence: missense variant. On other transcripts: non-coding transcript variant (1).
Genome position (GRCh38, 1-based): chr1:102,940,425, C>G on the plus strand (G>C on the coding strand, the complement: COL11A1 is on the minus strand). VCF-style: chr1-102940425-C-G. GRCh37 (hg19) VCF-style: chr1-103405981-C-G.
Other names: c.2938G>C, p.Gly980Arg (NM_001168249.1, NM_080630.4); c.3169G>C, p.Gly1057Arg (NM_001190709.2); c.3322G>C, p.Gly1108Arg (NM_080629.3); short protein forms G1057R, G1096R, G1108R, G980R.
Identifiers: ClinVar variation 2132043 (VCV002132043.4), dbSNP rs773606108, ClinGen allele CA974066.